The following is an entry in ClinVar:

NM_021020.5(LZTS1):c.55C>T (p.Arg19Trp)

Gene: LZTS1 (leucine zipper tumor suppressor 1; minus strand). Cytogenetic location: 8p21.3.
Variant type: single nucleotide variant.
Coding change: c.55C>T on transcript NM_021020.5 (MANE Select); coding-DNA position 55, C replaced by T.
Protein change: p.Arg19Trp; replaces arginine 19 with tryptophan.
Molecular consequence: missense variant.
Genome position (GRCh38, 1-based): chr8:20,255,127, G>A on the plus strand (C>T on the coding strand, the complement: LZTS1 is on the minus strand). VCF-style: chr8-20255127-G-A. GRCh37 (hg19) VCF-style: chr8-20112638-G-A.
Other names: c.55C>T, p.Arg19Trp (NM_001362884.2); c.55C>T (NM_021020.2); short protein forms R19W.
Identifiers: ClinVar variation 2959438 (VCV002959438.4), dbSNP rs746935497, ClinGen allele CA4657610.
Genomic context (GRCh38, chr8:20,255,127, plus strand): 5'-CGGAATACCGGTTGAGCTTCTTGAGGTGGGAGGACTTGCGCAGCTTGTACTGCGAAGCCC[G>A]GCAGTGCTTGCTGTGGAAGCTGTGGCCGGAGATGAGGCTACTGACGCTGCCCATGGTGAC-3'
Protein context (NP_066300.1, residues 9-29): SGHSFHSKHC[Arg19Trp]ASQYKLRKSS

ClinVar aggregate classification (germline): Uncertain significance. Review status: criteria provided, multiple submitters, no conflicts (2 of 4 stars). 2 submissions from 2 submitters: Uncertain significance (2). Last evaluated 2023-09-29.

Allele frequency attached by ClinVar (database versions not stated): ExAC 0.00002; gnomAD exomes 0.00002.

Submissions (2):

Ambry Genetics
Classification: Uncertain significance. Last evaluated: 2023-09-29. Review status: criteria provided, single submitter. Criteria: Ambry Variant Classification Scheme 2023. Collection method: clinical testing. Allele origin: germline.

Labcorp Genetics (formerly Invitae), Labcorp
Classification: Uncertain significance. Last evaluated: 2023-04-22. Review status: criteria provided, single submitter. Criteria: Invitae Variant Classification Sherloc (09022015). Collection method: clinical testing. Allele origin: germline.
Comment: In summary, the available evidence is currently insufficient to determine the role of this variant in disease. Therefore, it has been classified as a Variant of Uncertain Significance. Advanced modeling of protein sequence and biophysical properties (such as structural, functional, and spatial information, amino acid conservation, physicochemical variation, residue mobility, and thermodynamic stability) performed at Invitae indicates that this missense variant is expected to disrupt LZTS1 protein function. This variant has not been reported in the literature in individuals affected with LZTS1-related conditions. This variant is present in population databases (rs746935497, gnomAD 0.006%). This sequence change replaces arginine, which is basic and polar, with tryptophan, which is neutral and slightly polar, at codon 19 of the LZTS1 protein (p.Arg19Trp).